The following is an entry in ClinVar:

ClinVar aggregate classification (germline): Pathogenic. Review status: criteria provided, multiple submitters, no conflicts (2 of 4 stars). 16 submissions from 15 submitters: Pathogenic (14). 2 of the submissions do not count toward it. Last evaluated 2026-01-26.

Conditions:
Cardiovascular phenotype. Identifiers: MedGen CN230736.
Hereditary cancer-predisposing syndrome. Also called: Neoplastic Syndromes, Hereditary; Tumor predisposition; Hereditary neoplastic syndrome; Hereditary Cancer Syndrome. Identifiers: Orphanet 140162, MedGen C0027672, MeSH D009386, MONDO:0015356.
Pigmentary skin disorders.
LZTR1-related schwannomatosis. Also called: Schwannomatosis-2, susceptibility to; Schwannomatosis 2. Identifiers: Orphanet 93921, MedGen C3810283, MONDO:0014299, OMIM 615670.
Noonan syndrome 2 (NS2). Identifiers: Orphanet 648, MedGen C1854469, MONDO:0011531, OMIM 605275.
Noonan syndrome 10 (NS10). Identifiers: Orphanet 648, MedGen C4225280, MONDO:0014693, OMIM 616564.

Submissions (16):

Labcorp Genetics (formerly Invitae), Labcorp
Classification: Pathogenic. Last evaluated: 2026-01-26. Review status: criteria provided, single submitter. Criteria: Invitae Variant Classification Sherloc (09022015). Collection method: clinical testing. Allele origin: germline.
Comment: This sequence change creates a premature translational stop signal (p.Gln10Argfs*15) in the LZTR1 gene. It is expected to result in an absent or disrupted protein product. Loss-of-function variants in LZTR1 are known to be pathogenic (PMID: 24362817, 25335493, 25480913, 25795793, 29469822, 30368668, 30442762, 30442766, 30481304, 30859559). The frequency data for this variant in the population databases is considered unreliable, as metrics indicate poor data quality at this position in the gnomAD database. This premature translational stop signal has been observed in individual(s) with Noonan syndrome or schwannomatosis (PMID: 24362817, 25480913, 29469822). In at least one individual the data is consistent with being in trans (on the opposite chromosome) from a pathogenic variant. ClinVar contains an entry for this variant (Variation ID: 143931). For these reasons, this variant has been classified as Pathogenic.

Genetics Laboratory, Great Ormond Street Hospital NHS Foundation Trust, North Thames Genomic Laboratory Hub
Classification: Pathogenic for Pigmentary skin disorders. Last evaluated: 2025-08-06. Review status: criteria provided, single submitter. Criteria: ACGS Best Practice Guidelines for Variant Classification in Rare Disease 2024 v1.2. Collection method: clinical testing. Allele origin: germline. Affected: yes.
Comment: PM2_moderate, PVS1_very-strong, PM3_supporting

Revvity Omics, Revvity
Classification: Pathogenic. Last evaluated: 2024-10-29. Review status: criteria provided, single submitter. Criteria: ACMG Guidelines, 2015. Collection method: clinical testing. Allele origin: germline.

Dasa
Classification: Pathogenic. Last evaluated: 2024-09-17. Review status: criteria provided, single submitter. Criteria: DASA Assertion Criteria. Collection method: clinical testing. Allele origin: germline.
Comment: NM_006767.4(LZTR1):c.27del (p.Gln10Argfs*15) is a frameshift variant in LZTR1 predicted to alter the reading frame and introduce a premature termination codon and is predicted to result in an absent or altered protein product. Loss of function is an established disease mechanism for LZTR1-associated disorders. This variant has been reported in individuals with LZTR1-related disorders (PMID: 29469822). Published studies describe this variant in association with related phenotype (PMID: 24362817; PMID: 25480913; PMID: 29469822). Also, this variant is rare in population databases. Based on the currently available evidence, this variant is classified as pathogenic.

Fulgent Genetics
Classification: Pathogenic for Noonan syndrome 2; LZTR1-related schwannomatosis; Noonan syndrome 10. Last evaluated: 2024-06-13. Review status: criteria provided, single submitter. Criteria: ACMG Guidelines, 2015. Collection method: clinical testing. Allele origin: germline.

Genomic Medicine Center of Excellence, King Faisal Specialist Hospital and Research Centre
Classification: Pathogenic for LZTR1-related schwannomatosis. Last evaluated: 2024-03-26. Review status: criteria provided, single submitter. Criteria: ACMG Guidelines, 2015. Collection method: clinical testing. Allele origin: germline.

Baylor Genetics
Classification: Pathogenic for LZTR1-related schwannomatosis. Last evaluated: 2023-04-19. Review status: criteria provided, single submitter. Criteria: ACMG Guidelines, 2015. Collection method: clinical testing. Allele origin: unknown.

GeneDx
Classification: Pathogenic. Last evaluated: 2023-03-02. Review status: criteria provided, single submitter. Criteria: GeneDx Variant Classification Process June 2021. Collection method: clinical testing. Allele origin: germline. Affected: yes.
Comment: Observed with a second LZTR1 variant on the opposite allele (in trans) in an individual with autosomal recessive Noonan syndrome (Johnston et al., 2018); Frameshift variant predicted to result in protein truncation or nonsense mediated decay in a gene for which loss-of-function is a known mechanism of disease; Not observed in large population cohorts (gnomAD); This variant is associated with the following publications: (PMID: 25480913, 27856782, 24362817, 29469822)

Neuberg Centre For Genomic Medicine, NCGM
Classification: Pathogenic for Noonan syndrome 10. Last evaluated: 2023-02-14. Review status: criteria provided, single submitter. Criteria: ACMG Guidelines, 2015. Collection method: clinical testing. Allele origin: germline. Inheritance: Autosomal dominant inheritance. Affected: yes.
Comment: The frameshift c.27del(p.Gln10ArgfsTer15) variant in LZTR1 gene has been reported previously in heterozygous state in multiple individuals affected with LZTR1-related disorders (Johnston JJ, et. al., 2018; Smith MJ, et. al., 2015; Piotrowski A, et. al., 2014). The p.Gln10ArgfsTer15 variant has been reported with allele frequency of 0.006% in gnomAD Exomes and is novel (not in any individuals) in 1000 Genomes. This variant has been reported to the ClinVar database as Pathogenic (multiple submissions). This variant causes a frameshift starting with codon Glutamine 10, changes this amino acid to Arginine residue, and creates a premature Stop codon at position 15 of the new reading frame, denoted p.Gln10ArgfsTer15. This variant is predicted to cause loss of normal protein function through protein truncation. Loss of function variants in this gene have been previously reported to be pathogenic (Bigenzahn JW, et. al., 2018; Steklov M, et. al., 2018). For these reasons, this variant has been classified as Pathogenic.

Ambry Genetics
Classification: Pathogenic for Cardiovascular phenotype; Hereditary cancer-predisposing syndrome. Last evaluated: 2023-02-07. Review status: criteria provided, single submitter. Criteria: Ambry Variant Classification Scheme 2023. Collection method: clinical testing. Allele origin: germline.
Comment: The c.27delG pathogenic mutation, located in coding exon 1 of the LZTR1 gene, results from a deletion of one nucleotide at nucleotide position 27, causing a translational frameshift with a predicted alternate stop codon (p.Q10Rfs*15). This alteration is expected to result in loss of function by premature protein truncation or nonsense-mediated mRNA decay. This alteration has been reported in multiple individuals with schwannomatosis, as well as in trans with LZTR1 c.1149+1G>A in an individual with autosomal recessive Noonan syndrome (Piotrowski A et al. Nat. Genet., 2014 Feb;46:182-7; Smith MJ et al. Neurology, 2015 Jan;84:141-7; Johnston JJ et al. Genet. Med., 2018 10;20:1175-1185; Louvrier C et al. Neuro-oncology, 2018 06;20:917-929). Loss-of-function variants in LZTR1 are related to an increased risk for schwannomas and autosomal recessive Noonan syndrome; however, such associations with autosomal dominant Noonan syndrome have not been observed (Piotrowski A et al. Nat Genet. 2014 Feb;46:182-7; Yamamoto GL et al. J Med Genet. 2015 Jun;52:413-21; Johnston JJ et al. Genet Med. 2018 10;20:1175-1185). Based on the supporting evidence, this variant is pathogenic for an increased risk of LZTR1-related schwannomatosis (SWN) and would be expected to cause autosomal recessive Noonan syndrome when present along with a second pathogenic or likely pathogenic variant on the other allele; however, the association of this alteration with autosomal dominant Noonan syndrome is unlikely.

Laboratorio de Genetica e Diagnostico Molecular, Hospital Israelita Albert Einstein
Classification: Pathogenic for Noonan syndrome 10. Last evaluated: 2022-09-23. Review status: criteria provided, single submitter. Criteria: ACMG Guidelines, 2015. Collection method: clinical testing. Allele origin: germline. Affected: yes.
Comment: ACMG classification criteria: PVS1 very strong, PS4 strong, PM2 supporting, PM3 moderated

CeGaT Center for Human Genetics Tuebingen
Classification: Pathogenic. Last evaluated: 2019-04-01. Review status: criteria provided, single submitter. Criteria: CeGaT Center For Human Genetics Tuebingen Variant Classification Criteria Version 2. Collection method: clinical testing. Allele origin: germline. Affected: yes. Observed: 1 variant allele.

Juno Genomics, Hangzhou Juno Genomics, Inc
Classification: Pathogenic for LZTR1-related schwannomatosis. Review status: criteria provided, single submitter. Criteria: ACMG Guidelines, 2015. Collection method: clinical testing. Allele origin: germline.
Comment: Null variant in a gene where loss of function (LOF) is a known mechanism of disease.;The prevalence of the variant in affected individuals is significantly increased compared to the prevalence in controls.;For recessive disorders, detected in trans with a pathogenic variant.

Neuberg Centre For Genomic Medicine, NCGM
Classification: Pathogenic for Noonan syndrome 2. Review status: criteria provided, single submitter. Criteria: ACMG Guidelines, 2015. Collection method: clinical testing. Allele origin: germline. Inheritance: Autosomal recessive inheritance. Affected: yes.
Comment: The frameshift deletion p.Q10Rfs*15 in LZTR1 (NM_006767.4) has been reported previously in association with schwannomatosis as well as with autosomal recessive Noonan syndrome (Piotrowski et al., 2014; Johnston et al., 2018 et al). This variant is predicted to cause loss of normal protein function through protein truncation. Loss of function variants have been proven to be disease causing.For these reasons, this variant has been classified as Pathogenic.

Department of Reproductive Genetics, International Peace Maternity and Child Health Hospital, Shanghai Jiao Tong University School of Medicine
Classification: Pathogenic for Noonan syndrome 2. Last evaluated: 2025-05-01. Review status: no assertion criteria provided. Collection method: clinical testing. Allele origin: inherited. Affected: yes. Not counted in ClinVar's aggregate classification.
Comment: Loss-of-function in LZTR1 was an established disease mechanism.This variant caused in a frameshift and a premature stop codon at amino acid position 15 (p.Gln10ArgfsTer15). This variant has been classified as pathogenic in ClinVar (Variation ID: 143931) and has been reported in individuals with Noonan syndrome.

OMIM
Classification: Pathogenic for SCHWANNOMATOSIS 2. Last evaluated: 2014-02-01. Review status: no assertion criteria provided. Collection method: literature only. Allele origin: unknown. Not counted in ClinVar's aggregate classification.

Literature cited by the submitters: PubMed 24362817 (cited by 3 submitters); PubMed 25335493 (cited by Labcorp Genetics (formerly Invitae), Labcorp and Department of Reproductive Genetics, International Peace Maternity and Child Health Hospital, Shanghai Jiao Tong University School of Medicine); PubMed 25480913 (cited by 3 submitters); PubMed 25795793 (cited by Labcorp Genetics (formerly Invitae), Labcorp); PubMed 29469822 (cited by 3 submitters); PubMed 30368668 (cited by Labcorp Genetics (formerly Invitae), Labcorp); PubMed 30442762 (cited by Labcorp Genetics (formerly Invitae), Labcorp and Department of Reproductive Genetics, International Peace Maternity and Child Health Hospital, Shanghai Jiao Tong University School of Medicine); PubMed 30442766 (cited by Labcorp Genetics (formerly Invitae), Labcorp and Department of Reproductive Genetics, International Peace Maternity and Child Health Hospital, Shanghai Jiao Tong University School of Medicine); PubMed 30481304 (cited by Labcorp Genetics (formerly Invitae), Labcorp and Department of Reproductive Genetics, International Peace Maternity and Child Health Hospital, Shanghai Jiao Tong University School of Medicine); PubMed 30859559 (cited by Labcorp Genetics (formerly Invitae), Labcorp and Department of Reproductive Genetics, International Peace Maternity and Child Health Hospital, Shanghai Jiao Tong University School of Medicine).

NM_006767.4(LZTR1):c.27del (p.Gln10fs)

Genes: LZTR1 (leucine zipper like post translational regulator 1; plus strand), LOC130067016 (ATAC-STARR-seq lymphoblastoid silent region 13504; plus strand). Cytogenetic location: 22q11.21.
Variant type: Deletion.
Coding change: c.27del on transcript NM_006767.4 (MANE Select); coding-DNA position 27, one base deleted (G; older notation c.27delG).
Protein change: p.Gln10fs; shifts the reading frame from glutamine 10.
Molecular consequence: frameshift variant.
Genome position (GRCh38, 1-based): chr22:20,982,398, G deleted; the last of 7 consecutive G bases (chr22:20,982,392-20,982,398); deleting any one gives the same sequence. VCF-style (leftmost placement, unchanged base first): chr22-20982391-CG-C. GRCh37 (hg19) VCF-style: chr22-21336680-CG-C.
Other names: c.27delG (NM_006767.3, NM_006767.4); short protein forms Q10fs.
Identifiers: ClinVar variation 143931 (VCV000143931.62), dbSNP rs587777613, ClinGen allele CA170538.